The following is an entry in ClinVar:

NM_018942.3(HMX1):c.853C>T (p.Leu285Phe)

Gene: HMX1 (H6 family homeobox 1; minus strand). Cytogenetic location: 4p16.1.
Variant type: single nucleotide variant.
Coding change: c.853C>T on transcript NM_018942.3 (MANE Select); coding-DNA position 853, C replaced by T.
Protein change: p.Leu285Phe; replaces leucine 285 with phenylalanine.
Molecular consequence: missense variant. On other transcripts: intron variant (1).
Genome position (GRCh38, 1-based): chr4:8,867,887, G>A on the plus strand (C>T on the coding strand, the complement: HMX1 is on the minus strand). VCF-style: chr4-8867887-G-A. GRCh37 (hg19) VCF-style: chr4-8869613-G-A.
Other names: c.394+3334C>T (NM_001306142.2); short protein forms L285F.
Identifiers: ClinVar variation 1928978 (VCV001928978.5), dbSNP rs2474392549, ClinGen allele CA356277662.

ClinVar aggregate classification (germline): Uncertain significance (1 of 4 stars; one submission).

Submission:

Labcorp Genetics (formerly Invitae), Labcorp
Classification: Uncertain significance. Last evaluated: 2022-02-20. Review status: criteria provided, single submitter. Criteria: Invitae Variant Classification Sherloc (09022015). Collection method: clinical testing. Allele origin: germline.
Comment: Algorithms developed to predict the effect of missense changes on protein structure and function are either unavailable or do not agree on the potential impact of this missense change (SIFT: "Tolerated"; PolyPhen-2: "Probably Damaging"; Align-GVGD: "Class C0"). In summary, the available evidence is currently insufficient to determine the role of this variant in disease. Therefore, it has been classified as a Variant of Uncertain Significance. This variant has not been reported in the literature in individuals affected with HMX1-related conditions. This variant is not present in population databases (gnomAD no frequency). This sequence change replaces leucine, which is neutral and non-polar, with phenylalanine, which is neutral and non-polar, at codon 285 of the HMX1 protein (p.Leu285Phe).